The following is an entry in ClinVar:

NM_000362.5(TIMP3):c.70T>G (p.Cys24Gly)

Genes: SYN3 (synapsin III; minus strand), TIMP3 (TIMP metallopeptidase inhibitor 3; plus strand). Cytogenetic location: 22q12.3.
Variant type: single nucleotide variant.
Coding change: c.70T>G on transcript NM_000362.5 (MANE Select); coding-DNA position 70, T replaced by G.
Protein change: p.Cys24Gly; replaces cysteine 24 with glycine.
Molecular consequence: missense variant. On other transcripts: intron variant (7).
Genome position (GRCh38, 1-based): chr22:32,802,071, T>G. VCF-style: chr22-32802071-T-G. GRCh37 (hg19) VCF-style: chr22-33198057-T-G.
Other names: c.708+62844A>C (NM_001369909.1, NM_001135774.2, NM_001369910.1); c.711+62844A>C (NM_001369907.1, NM_003490.4, NM_001369908.1 and 1 more transcripts); short protein forms C24G.
Identifiers: ClinVar variation 2751032 (VCV002751032.3), dbSNP rs2545723008, ClinGen allele CA411539017.
Genomic context (GRCh38, chr22:32,802,071, plus strand): 5'-TGGCTCGGGCTCATCGTGCTCCTGGGCAGCTGGAGCCTGGGGGACTGGGGCGCCGAGGCG[T>G]GCACATGCTCGCCCAGCCACCCCCAGGACGCCTTCTGCAACTCCGACATCGGTAAGCGCT-3'
Protein context (NP_000353.1, residues 14-34): WSLGDWGAEA[Cys24Gly]TCSPSHPQDA

ClinVar aggregate classification (germline): Uncertain significance (1 of 4 stars; one submission).

Submission:

Labcorp Genetics (formerly Invitae), Labcorp
Classification: Uncertain significance. Last evaluated: 2023-08-07. Review status: criteria provided, single submitter. Criteria: Invitae Variant Classification Sherloc (09022015). Collection method: clinical testing. Allele origin: germline.
Comment: In summary, the available evidence is currently insufficient to determine the role of this variant in disease. Therefore, it has been classified as a Variant of Uncertain Significance. This variant disrupts the p.Cys24 amino acid residue in TIMP3. Other variant(s) that disrupt this residue have been observed in individuals with TIMP3-related conditions (PMID: 28559085; Invitae), which suggests that this may be a clinically significant amino acid residue. An algorithm developed to predict the effect of missense changes on protein structure and function (PolyPhen-2) suggests that this variant is likely to be disruptive. This variant has not been reported in the literature in individuals affected with TIMP3-related conditions. This variant is not present in population databases (gnomAD no frequency). This sequence change replaces cysteine, which is neutral and slightly polar, with glycine, which is neutral and non-polar, at codon 24 of the TIMP3 protein (p.Cys24Gly).

Literature cited by the submitters: PubMed 28559085.